The following is an entry in ClinVar:

NM_001142864.4(PIEZO1):c.5863C>A (p.Arg1955Ser)

Gene: PIEZO1 (piezo type mechanosensitive ion channel component 1 (Er blood group); minus strand). Cytogenetic location: 16q24.3.
Variant type: single nucleotide variant.
Coding change: c.5863C>A on transcript NM_001142864.4 (MANE Select); coding-DNA position 5863, C replaced by A.
Protein change: p.Arg1955Ser; replaces arginine 1955 with serine.
Molecular consequence: missense variant.
Genome position (GRCh38, 1-based): chr16:88,720,471, G>T on the plus strand (C>A on the coding strand, the complement: PIEZO1 is on the minus strand). VCF-style: chr16-88720471-G-T. GRCh37 (hg19) VCF-style: chr16-88786879-G-T.
Other names: short protein forms R1955S.
Identifiers: ClinVar variation 3608439 (VCV003608439.2).

ClinVar aggregate classification (germline): Uncertain significance (1 of 4 stars; one submission).

gnomAD v4.1: 2 of 1,550,412 alleles (0.00013%); highest among the groups gnomAD compares: Admixed American, 0.002%; no homozygotes.

Submission:

Labcorp Genetics (formerly Invitae), Labcorp
Classification: Uncertain significance. Last evaluated: 2024-06-03. Review status: criteria provided, single submitter. Criteria: Invitae Variant Classification Sherloc (09022015). Collection method: clinical testing. Allele origin: germline.
Comment: This sequence change replaces arginine, which is basic and polar, with serine, which is neutral and polar, at codon 1955 of the PIEZO1 protein (p.Arg1955Ser). This variant is not present in population databases (gnomAD no frequency). This variant has not been reported in the literature in individuals affected with PIEZO1-related conditions. Advanced modeling of protein sequence and biophysical properties (such as structural, functional, and spatial information, amino acid conservation, physicochemical variation, residue mobility, and thermodynamic stability) performed at Invitae indicates that this missense variant is not expected to disrupt PIEZO1 protein function with a negative predictive value of 80%. In summary, the available evidence is currently insufficient to determine the role of this variant in disease. Therefore, it has been classified as a Variant of Uncertain Significance.